The following is an entry in ClinVar:

NM_005876.5(SPEG):c.2776C>T (p.Arg926Trp)

Gene: SPEG (striated muscle enriched protein kinase; plus strand). Cytogenetic location: 2q35.
Variant type: single nucleotide variant.
Coding change: c.2776C>T on transcript NM_005876.5 (MANE Select); coding-DNA position 2776, C replaced by T.
Protein change: p.Arg926Trp; replaces arginine 926 with tryptophan.
Molecular consequence: missense variant.
Genome position (GRCh38, 1-based): chr2:219,464,503, C>T. VCF-style: chr2-219464503-C-T. GRCh37 (hg19) VCF-style: chr2-220329225-C-T.
Other names: c.229C>T, p.Arg77Trp (NM_001173476.2); short protein forms R926W, R77W.
Identifiers: ClinVar variation 1417412 (VCV001417412.6), dbSNP rs763189226, ClinGen allele CA2125951.

ClinVar aggregate classification (germline): Uncertain significance (1 of 4 stars; one submission).

Allele frequency attached by ClinVar (database versions not stated): gnomAD exomes 0.00001; gnomAD 0.00001; ExAC 0.00002; TOPMed 0.00002.
gnomAD v4.1: 22 of 1,613,958 alleles (0.0014%); highest among the groups gnomAD compares: Middle Eastern, 0.016%; no homozygotes.

Submission:

Labcorp Genetics (formerly Invitae), Labcorp
Classification: Uncertain significance. Last evaluated: 2024-11-05. Review status: criteria provided, single submitter. Criteria: Invitae Variant Classification Sherloc (09022015). Collection method: clinical testing. Allele origin: germline.
Comment: This sequence change replaces arginine, which is basic and polar, with tryptophan, which is neutral and slightly polar, at codon 926 of the SPEG protein (p.Arg926Trp). This variant is present in population databases (rs763189226, gnomAD 0.01%). This variant has not been reported in the literature in individuals affected with SPEG-related conditions. ClinVar contains an entry for this variant (Variation ID: 1417412). An algorithm developed to predict the effect of missense changes on protein structure and function (PolyPhen-2) suggests that this variant is likely to be disruptive. In summary, the available evidence is currently insufficient to determine the role of this variant in disease. Therefore, it has been classified as a Variant of Uncertain Significance.